The following is an entry in ClinVar:

NM_000535.7(PMS2):c.2548A>G (p.Met850Val)

Gene: PMS2 (PMS1 homolog 2, mismatch repair system component; minus strand). Cytogenetic location: 7p22.1.
Variant type: single nucleotide variant.
Coding change: c.2548A>G on transcript NM_000535.7 (MANE Select); coding-DNA position 2548, A replaced by G.
Protein change: p.Met850Val; replaces methionine 850 with valine.
Molecular consequence: missense variant. On other transcripts: non-coding transcript variant (1).
Genome position (GRCh38, 1-based): chr7:5,973,440, T>C on the plus strand (A>G on the coding strand, the complement: PMS2 is on the minus strand). VCF-style: chr7-5973440-T-C. GRCh37 (hg19) VCF-style: chr7-6013071-T-C.
Other names: c.2143A>G, p.Met715Val (NM_001018040.1, NM_001322003.2, NM_001322004.2 and 12 more transcripts); c.2392A>G, p.Met798Val (NM_001322006.2); c.2230A>G, p.Met744Val (NM_001322007.2, NM_001322008.2, NM_001406883.1); c.2176A>G, p.Met726Val (NM_001322009.2, NM_001406887.1, NM_001406888.1); c.1987A>G, p.Met663Val (NM_001322010.2, NM_001406906.1, NM_001406907.1); c.1615A>G, p.Met539Val (NM_001322011.2, NM_001322012.2); c.1975A>G, p.Met659Val (NM_001322013.2, NM_001406908.1, NM_001406909.1); c.2581A>G, p.Met861Val (NM_001322014.2); and 20 more; short protein forms M539V, M659V, M695V, M726V, M784V, M798V, M858V, M449V.
Identifiers: ClinVar variation 2178657 (VCV002178657.5), dbSNP rs2535181627, ClinGen allele CA366734820.

ClinVar aggregate classification (germline): Uncertain significance. Review status: criteria provided, multiple submitters, no conflicts (2 of 4 stars). 2 submissions from 2 submitters: Uncertain significance (2). Last evaluated 2025-05-17.

Conditions:
Hereditary nonpolyposis colorectal neoplasms. Identifiers: MedGen C0009405, MeSH D003123.
Hereditary cancer-predisposing syndrome. Also called: Tumor predisposition; Hereditary neoplastic syndrome; Neoplastic Syndromes, Hereditary; Hereditary Cancer Syndrome. Identifiers: Orphanet 140162, MedGen C0027672, MeSH D009386, MONDO:0015356.

Submissions (2):

Ambry Genetics
Classification: Uncertain significance for Hereditary cancer-predisposing syndrome. Last evaluated: 2025-05-17. Review status: criteria provided, single submitter. Criteria: Ambry Variant Classification Scheme 2023. Collection method: clinical testing. Allele origin: germline.
Comment: The p.M850V variant (also known as c.2548A>G), located in coding exon 15 of the PMS2 gene, results from an A to G substitution at nucleotide position 2548. The methionine at codon 850 is replaced by valine, an amino acid with highly similar properties. This amino acid position is conserved. In addition, the in silico prediction for this alteration is inconclusive. Based on the available evidence, the clinical significance of this variant remains unclear.

Labcorp Genetics (formerly Invitae), Labcorp
Classification: Uncertain significance for Hereditary nonpolyposis colorectal neoplasms. Last evaluated: 2022-06-13. Review status: criteria provided, single submitter. Criteria: Invitae Variant Classification Sherloc (09022015). Collection method: clinical testing. Allele origin: germline.
Comment: This sequence change replaces methionine, which is neutral and non-polar, with valine, which is neutral and non-polar, at codon 850 of the PMS2 protein (p.Met850Val). In summary, the available evidence is currently insufficient to determine the role of this variant in disease. Therefore, it has been classified as a Variant of Uncertain Significance. Advanced modeling of protein sequence and biophysical properties (such as structural, functional, and spatial information, amino acid conservation, physicochemical variation, residue mobility, and thermodynamic stability) performed at Invitae indicates that this missense variant is not expected to disrupt PMS2 protein function. This variant has not been reported in the literature in individuals affected with PMS2-related conditions. The frequency data for this variant in the population databases (gnomAD) is considered unreliable due to the presence of homologous sequence, such as pseudogenes or paralogs, in the genome.